The following is an entry in ClinVar:

NM_016180.5(SLC45A2):c.265G>A (p.Gly89Arg)

Gene: SLC45A2 (solute carrier family 45 member 2; minus strand). Cytogenetic location: 5p13.2.
Variant type: single nucleotide variant.
Coding change: c.265G>A on transcript NM_016180.5 (MANE Select); coding-DNA position 265, G replaced by A.
Protein change: p.Gly89Arg; replaces glycine 89 with arginine.
Molecular consequence: missense variant.
Genome position (GRCh38, 1-based): chr5:33,984,319, C>T on the plus strand (G>A on the coding strand, the complement: SLC45A2 is on the minus strand). VCF-style: chr5-33984319-C-T. GRCh37 (hg19) VCF-style: chr5-33984424-C-T.
Other names: c.265G>A, p.Gly89Arg (NM_001012509.4, NM_001297417.4); short protein forms G89R.
Identifiers: ClinVar variation 1404789 (VCV001404789.7), dbSNP rs980618644, ClinGen allele CA116903523.

ClinVar aggregate classification (germline): Likely pathogenic. Review status: criteria provided, multiple submitters, no conflicts (2 of 4 stars). 2 submissions from 2 submitters: Likely pathogenic (2). Last evaluated 2025-08-15.

Conditions:
Oculocutaneous albinism type 4 (OCA4). Also called: Albinism, oculocutaneous, type IV. Identifiers: Orphanet 79435, MedGen C1847836, MONDO:0011683, OMIM 606574.

gnomAD v4.1: 2 of 1,614,118 alleles (0.00012%); highest among the groups gnomAD compares: East Asian, 0.0022%; no homozygotes.

Submissions (2):

Labcorp Genetics (formerly Invitae), Labcorp
Classification: Likely pathogenic. Last evaluated: 2025-08-15. Review status: criteria provided, single submitter. Criteria: Invitae Variant Classification Sherloc (09022015). Collection method: clinical testing. Allele origin: germline.
Comment: This sequence change replaces glycine, which is neutral and non-polar, with arginine, which is basic and polar, at codon 89 of the SLC45A2 protein (p.Gly89Arg). This variant is not present in population databases (gnomAD no frequency). This missense change has been observed in individual(s) with ocular albinism (PMID: 16965274, 30019506). In at least one individual the data is consistent with being in trans (on the opposite chromosome) from a pathogenic variant. ClinVar contains an entry for this variant (Variation ID: 1404789). Invitae Evidence Modeling of protein sequence and biophysical properties (such as structural, functional, and spatial information, amino acid conservation, physicochemical variation, residue mobility, and thermodynamic stability) indicates that this missense variant is expected to disrupt SLC45A2 protein function with a positive predictive value of 80%. In summary, the currently available evidence indicates that the variant is pathogenic, but additional data are needed to prove that conclusively. Therefore, this variant has been classified as Likely Pathogenic.

Women's Health and Genetics/Laboratory Corporation of America, LabCorp
Classification: Likely pathogenic for Oculocutaneous albinism type 4. Last evaluated: 2024-07-30. Review status: criteria provided, single submitter. Criteria: LabCorp Variant Classification Summary - May 2015. Collection method: clinical testing. Allele origin: germline.
Comment: Variant summary: SLC45A2 c.265G>A (p.Gly89Arg) results in a non-conservative amino acid change in the encoded protein sequence. Five of five in-silico tools predict a damaging effect of the variant on protein function. The variant was absent in 251016 control chromosomes (gnomAD). c.265G>A has been reported in the literature in individuals affected with Oculocutaneous albinism type 4 (e.g. Inagaki_2006, Okamura_2016, 2019). These data indicate that the variant is likely to be associated with disease. To our knowledge, no experimental evidence demonstrating an impact on protein function has been reported. The following publications have been ascertained in the context of this evaluation (PMID: 16965274, 26573111, 32969595, 30019506). ClinVar contains an entry for this variant (Variation ID: 1404789). Based on the evidence outlined above, the variant was classified as likely pathogenic.

Literature cited by the submitters: PubMed 16965274 (cited by Labcorp Genetics (formerly Invitae), Labcorp and Women's Health and Genetics/Laboratory Corporation of America, LabCorp); PubMed 30019506 (cited by Labcorp Genetics (formerly Invitae), Labcorp and Women's Health and Genetics/Laboratory Corporation of America, LabCorp); PubMed 32969595 (cited by Women's Health and Genetics/Laboratory Corporation of America, LabCorp); PubMed 26573111 (cited by Women's Health and Genetics/Laboratory Corporation of America, LabCorp).